The following is an entry in ClinVar:

NM_020822.3(KCNT1):c.1309C>T (p.Leu437Phe)

Gene: KCNT1 (potassium sodium-activated channel subfamily T member 1; plus strand). Cytogenetic location: 9q34.3.
Variant type: single nucleotide variant.
Coding change: c.1309C>T on transcript NM_020822.3 (MANE Select); coding-DNA position 1309, C replaced by T.
Protein change: p.Leu437Phe; replaces leucine 437 with phenylalanine.
Molecular consequence: missense variant.
Genome position (GRCh38, 1-based): chr9:135,765,732, C>T. VCF-style: chr9-135765732-C-T. GRCh37 (hg19) VCF-style: chr9-138657578-C-T.
Other names: c.1174C>T, p.Leu392Phe (NM_001272003.2); short protein forms L437F, L392F.
Identifiers: ClinVar variation 372907 (VCV000372907.9), dbSNP rs1057518066, ClinGen allele CA16042762.
Genomic context (GRCh38, chr9:135,765,732, plus strand): 5'-CGCAGAGTCCTGCAGATCCCTCTGTGGTCCCAGCGGGTCATCTACCTCCAGGGCTCTGCA[C>T]TCAAAGACCAGGACCTCATGCGAGCCAAGTGAGTGCTGGTGGGCGGAGGGGGTGGCATGG-3'
Protein context (NP_065873.2, residues 427-447): QRVIYLQGSA[Leu437Phe]KDQDLMRAKM

ClinVar aggregate classification (germline): Pathogenic/Likely pathogenic. Review status: criteria provided, multiple submitters, no conflicts (2 of 4 stars). 2 submissions from 2 submitters: Pathogenic (1); Likely pathogenic (1). Last evaluated 2023-08-10.

Conditions:
Developmental and epileptic encephalopathy, 14 (DEE14). Also called: Early infantile epileptic encephalopathy 14. Identifiers: Orphanet 293181, MedGen C3554195, MONDO:0013989, OMIM 614959.
Autosomal dominant nocturnal frontal lobe epilepsy 5. Also called: KCNT1-Related Epilepsy; CILIARY DYSKINESIA, PRIMARY, 28, WITHOUT SITUS INVERSUS; CILIARY DYSKINESIA, PRIMARY, 28, WITH SITUS INVERSUS; Epilepsy, nocturnal frontal lobe, 5. Identifiers: Orphanet 98784, MedGen C3554306, MONDO:0014002, OMIM 615005.

Submissions (2):

Labcorp Genetics (formerly Invitae), Labcorp
Classification: Pathogenic for Autosomal dominant nocturnal frontal lobe epilepsy 5; Developmental and epileptic encephalopathy, 14. Last evaluated: 2023-08-10. Review status: criteria provided, single submitter. Criteria: Invitae Variant Classification Sherloc (09022015). Collection method: clinical testing. Allele origin: germline.
Comment: Advanced modeling of protein sequence and biophysical properties (such as structural, functional, and spatial information, amino acid conservation, physicochemical variation, residue mobility, and thermodynamic stability) performed at Invitae indicates that this missense variant is expected to disrupt KCNT1 protein function. For these reasons, this variant has been classified as Pathogenic. Experimental studies have shown that this missense change affects KCNT1 function (PMID: 31560846). ClinVar contains an entry for this variant (Variation ID: 372907). This missense change has been observed in individual(s) with KCNT1-related conditions (PMID: 31560846, 31872048). In at least one individual the variant was observed to be de novo. This variant is not present in population databases (gnomAD no frequency). This sequence change replaces leucine, which is neutral and non-polar, with phenylalanine, which is neutral and non-polar, at codon 437 of the KCNT1 protein (p.Leu437Phe).

GeneDx
Classification: Likely pathogenic. Last evaluated: 2016-01-25. Review status: criteria provided, single submitter. Criteria: GeneDx Variant Classification (06012015). Collection method: clinical testing. Allele origin: germline. Affected: yes.
Comment: The L437F variant in the KCNT1 gene has not been reported previously as a pathogenic variant, nor as a benign variant, to our knowledge. The L437F variant was not observed in approximately 6500 individuals of European and African American ancestry in the NHLBI Exome Sequencing Project, indicating it is not a common benign variant in these populations. The L437F variant is a conservative amino acid substitution, which is not likely to impact secondary protein structure as these residues share similar properties. This substitution occurs at a position that is conserved across species. In silico analysis predicts this variant is probably damaging to the protein structure/function. The L437F variant is a strong candidate for a pathogenic variant, however the possibility it may be a rare benign variant cannot be excluded.

Literature cited by the submitters: PubMed 31560846 (cited by Labcorp Genetics (formerly Invitae), Labcorp); PubMed 31872048 (cited by Labcorp Genetics (formerly Invitae), Labcorp).